The following is an entry in ClinVar:

NM_001458.5(FLNC):c.3247T>A (p.Phe1083Ile)

Gene: FLNC (filamin C; plus strand). Cytogenetic location: 7q32.1.
Variant type: single nucleotide variant.
Coding change: c.3247T>A on transcript NM_001458.5 (MANE Select); coding-DNA position 3247, T replaced by A.
Protein change: p.Phe1083Ile; replaces phenylalanine 1083 with isoleucine.
Molecular consequence: missense variant.
Genome position (GRCh38, 1-based): chr7:128,844,712, T>A. VCF-style: chr7-128844712-T-A. GRCh37 (hg19) VCF-style: chr7-128484766-T-A.
Other names: c.3247T>A, p.Phe1083Ile (NM_001127487.2); short protein forms F1083I.
Identifiers: ClinVar variation 1388590 (VCV001388590.9), dbSNP rs1354409050, ClinGen allele CA369196287.
Genomic context (GRCh38, chr7:128,844,712, plus strand): 5'-CCCTAGGTCTGTGCTTATGGCCCGGGTCTCAAGGGTGGACTGGTAGGCACCCCCGCGCCA[T>A]TCTCCATCGACACCAAGGGGGCTGGCACAGGTGGCCTGGGGCTGACCGTAGAGGGCCCCT-3'
Protein context (NP_001449.3, residues 1073-1093): KGGLVGTPAP[Phe1083Ile]SIDTKGAGTG

ClinVar aggregate classification (germline): Uncertain significance. Review status: criteria provided, multiple submitters, no conflicts (2 of 4 stars). 2 submissions from 2 submitters: Uncertain significance (2). Last evaluated 2024-03-27.

Conditions:
Distal myopathy with posterior leg and anterior hand involvement. Also called: WILLIAMS DISTAL MYOPATHY. Identifiers: Orphanet 63273, MedGen C3279722, MONDO:0013550, OMIM 614065.
Myofibrillar myopathy 5. Also called: FILAMINOPATHY, AUTOSOMAL DOMINANT; Filaminopathy (type). Identifiers: Orphanet 171445, MedGen C1836050, MONDO:0012289, OMIM 609524.
Hypertrophic cardiomyopathy 26. Also called: Cardiomyopathy, familial hypertrophic, 26. Identifiers: Orphanet 75249, MedGen C4310749, MONDO:0014883, OMIM 617047.

gnomAD v4.1: 4 of 1,613,644 alleles (0.00025%); highest among the groups gnomAD compares: Non-Finnish European, 0.00034%; no homozygotes.

Submissions (2):

Labcorp Genetics (formerly Invitae), Labcorp
Classification: Uncertain significance for Distal myopathy with posterior leg and anterior hand involvement; Myofibrillar myopathy 5; Hypertrophic cardiomyopathy 26. Last evaluated: 2024-03-27. Review status: criteria provided, single submitter. Criteria: Invitae Variant Classification Sherloc (09022015). Collection method: clinical testing. Allele origin: germline.
Comment: This sequence change replaces phenylalanine, which is neutral and non-polar, with isoleucine, which is neutral and non-polar, at codon 1083 of the FLNC protein (p.Phe1083Ile). This variant is not present in population databases (gnomAD no frequency). This variant has not been reported in the literature in individuals affected with FLNC-related conditions. ClinVar contains an entry for this variant (Variation ID: 1388590). Advanced modeling of protein sequence and biophysical properties (such as structural, functional, and spatial information, amino acid conservation, physicochemical variation, residue mobility, and thermodynamic stability) has been performed at Invitae for this missense variant, however the output from this modeling did not meet the statistical confidence thresholds required to predict the impact of this variant on FLNC protein function. In summary, the available evidence is currently insufficient to determine the role of this variant in disease. Therefore, it has been classified as a Variant of Uncertain Significance.

Human Genetics Bochum, Ruhr University Bochum
Classification: Uncertain significance. Last evaluated: 2023-08-11. Review status: criteria provided, single submitter. Criteria: ACMG Guidelines, 2015. Collection method: clinical testing. Allele origin: germline. Affected: yes.
Comment: ACMG criteria used to clasify this variant: PM2_SUP, PP3_MOD